The following is an entry in ClinVar:

NM_018896.5(CACNA1G):c.1211G>A (p.Arg404Gln)

Gene: CACNA1G (calcium voltage-gated channel subunit alpha1 G; plus strand). Cytogenetic location: 17q21.33.
Variant type: single nucleotide variant.
Coding change: c.1211G>A on transcript NM_018896.5 (MANE Select); coding-DNA position 1211, G replaced by A.
Protein change: p.Arg404Gln; replaces arginine 404 with glutamine.
Molecular consequence: missense variant. On other transcripts: non-coding transcript variant (5).
Genome position (GRCh38, 1-based): chr17:50,575,613, G>A. VCF-style: chr17-50575613-G-A. GRCh37 (hg19) VCF-style: chr17-48652974-G-A.
Other names: c.1211G>A, p.Arg404Gln (NM_001256324.2, NM_001256325.2, NM_001256326.2 and 24 more transcripts); short protein forms R404Q.
Identifiers: ClinVar variation 3364125 (VCV003364125.1).

ClinVar aggregate classification (germline): Uncertain significance (1 of 4 stars; one submission).

gnomAD v4.1: 2 of 1,613,728 alleles (0.00012%); highest among the groups gnomAD compares: Non-Finnish European, 0.00017%; no homozygotes.

Submission:

GeneDx
Classification: Uncertain significance. Last evaluated: 2024-04-18. Review status: criteria provided, single submitter. Criteria: GeneDx Variant Classification Process June 2021. Collection method: clinical testing. Allele origin: germline. Affected: yes.
Comment: Not observed at significant frequency in large population cohorts (gnomAD); In silico analysis supports that this missense variant has a deleterious effect on protein structure/function; Has not been previously published as pathogenic or benign to our knowledge